The following is an entry in ClinVar:

ClinVar aggregate classification (germline): Pathogenic/Likely pathogenic. Review status: criteria provided, multiple submitters, no conflicts (2 of 4 stars). 4 submissions from 4 submitters: Pathogenic (1); Likely pathogenic (3). Last evaluated 2026-01-12.

Conditions:
Retinitis pigmentosa 61 (RP61). Identifiers: Orphanet 791, MedGen C3280041, MONDO:0013610, OMIM 614180.
Usher syndrome type 3A (USH3A). Also called: USHER SYNDROME, TYPE IIIA. Identifiers: MedGen C5779850, MONDO:0010170, OMIM 276902.
Usher syndrome type 3. Also called: Usher Syndrome, Type III. Identifiers: Orphanet 231183, MedGen C1568248, MONDO:0016485.

Submissions (4):

Labcorp Genetics (formerly Invitae), Labcorp
Classification: Pathogenic. Last evaluated: 2026-01-12. Review status: criteria provided, single submitter. Criteria: Invitae Variant Classification Sherloc (09022015). Collection method: clinical testing. Allele origin: germline.
Comment: This sequence change creates a premature translational stop signal (p.Cys11Leufs*50) in the CLRN1 gene. It is expected to result in an absent or disrupted protein product. Loss-of-function variants in CLRN1 are known to be pathogenic (PMID: 11524702, 24498627). This variant is present in population databases (rs752910161, gnomAD 0.02%). This variant has not been reported in the literature in individuals affected with CLRN1-related conditions. ClinVar contains an entry for this variant (Variation ID: 1075882). For these reasons, this variant has been classified as Pathogenic.

Natera, Inc.
Classification: Likely pathogenic for Usher syndrome type 3. Last evaluated: 2025-12-17. Review status: criteria provided, single submitter. Criteria: Natera Variant Classification Schema (03/2026). Collection method: clinical testing. Allele origin: germline.
Comment: The c.31dupT variant in CLRN1 is a frameshift variant predicted to shift the reading frame beginning at codon 11 and leads to a stop codon 50 codons downstream. This variant is expected to result in nonsense mediated decay, truncation, or a dysfunctional protein product. This variant is rare in the general population with a frequency below the threshold expected for the associated phenotype(s). Given the available evidence, this variant is classified as Likely Pathogenic.

Baylor Genetics
Classification: Likely pathogenic for Retinitis pigmentosa 61. Last evaluated: 2024-02-26. Review status: criteria provided, single submitter. Criteria: ACMG Guidelines, 2015. Collection method: clinical testing. Allele origin: unknown.

Juno Genomics, Hangzhou Juno Genomics, Inc
Classification: Likely pathogenic for Usher syndrome type 3A; Retinitis pigmentosa 61. Review status: criteria provided, single submitter. Criteria: ACMG Guidelines, 2015. Collection method: clinical testing. Allele origin: germline.
Comment: Null variant in a gene where loss of function (LOF) is a known mechanism of disease.;Absent from controls (or at extremely low frequency if recessive) in Genome Aggregation Database.

Literature cited by the submitters: PubMed 11524702 (cited by Labcorp Genetics (formerly Invitae), Labcorp); PubMed 24498627 (cited by Labcorp Genetics (formerly Invitae), Labcorp).

NM_174878.3(CLRN1):c.31dup (p.Cys11fs)

Genes: CLRN1 (clarin 1; minus strand), CLRN1-AS1 (CLRN1 antisense RNA 1; plus strand). Cytogenetic location: 3q25.1.
Variant type: Duplication.
Coding change: c.31dup on transcript NM_174878.3 (MANE Select); coding-DNA position 31, one base duplicated (T; older notation c.31dupT).
Protein change: p.Cys11fs; shifts the reading frame from cysteine 11.
Molecular consequence: frameshift variant. On other transcripts: non-coding transcript variant (2).
Genome position (GRCh38, 1-based): chr3:150,972,678, A duplicated on the plus strand (T on the coding strand, the reverse complement: CLRN1 is on the minus strand); the first of 6 consecutive A bases (chr3:150,972,678-150,972,683); duplicating any one gives the same sequence. VCF-style (leftmost placement, unchanged base first): chr3-150972677-C-CA. GRCh37 (hg19) VCF-style: chr3-150690464-C-CA.
Other names: c.31dup, p.Cys11fs (NM_001195794.1, NM_001256819.2); c.31dupT (NM_174878.2); short protein forms C11fs.
Identifiers: ClinVar variation 1075882 (VCV001075882.12), dbSNP rs752910161, ClinGen allele CA2666225.